The following is an entry in ClinVar:

ClinVar aggregate classification (germline): Uncertain significance (1 of 4 stars; one submission).

Conditions:
Glycogen storage disease, type II (IOPD). Also called: Pompe Disease; CARDIOMEGALIA GLYCOGENICA DIFFUSA; GLYCOGENOSIS, GENERALIZED, CARDIAC FORM; GSD II; POMPE DISEASE, INFANTILE-ONSET; GLYCOGEN STORAGE DISEASE II, INFANTILE-ONSET. Identifiers: Orphanet 365, MedGen C0017921, MONDO:0009290, OMIM 232300.

Submission:

Genomenon, Inc
Classification: Uncertain significance for Glycogen storage disease, type II. Last evaluated: 2026-07-01. Review status: criteria provided, single submitter. Criteria: Genomenon Sequence Variant Interpretation Standards - Updated. Collection method: curation. Allele origin: germline. Affected: yes.
Comment: GAA p.Tyr298Ser (c.893A>C) is a missense variant that changes the amino acid at codon 298 from Tyrosine to Serine. This variant has been observed in at least one proband with a GAA-related disorder (PMID:18458862). It is absent or not present at a significant frequency in gnomAD. In silico models predict that this variant is possibly or probably damaging. In conclusion, we classify GAA p.Tyr298Ser (c.893A>C) as a variant of uncertain significance.

Literature cited by the submitters: PubMed 18458862.

NM_000152.5(GAA):c.893A>C (p.Tyr298Ser)

Gene: GAA (alpha glucosidase; plus strand). Cytogenetic location: 17q25.3.
Variant type: single nucleotide variant.
Coding change: c.893A>C on transcript NM_000152.5 (MANE Select); coding-DNA position 893, A replaced by C.
Protein change: p.Tyr298Ser; replaces tyrosine 298 with serine.
Molecular consequence: missense variant.
Genome position (GRCh38, 1-based): chr17:80,107,834, A>C. VCF-style: chr17-80107834-A-C. GRCh37 (hg19) VCF-style: chr17-78081633-A-C.
Other names: c.893A>C, p.Tyr298Ser (NM_001079803.3, NM_001079804.3, NM_001406741.1 and 1 more transcripts); short protein forms Y298S.
Identifiers: ClinVar variation 4876327 (VCV004876327.1).